The following is an entry in ClinVar:

ClinVar aggregate classification (germline): Uncertain significance (1 of 4 stars; one submission).

Submission:

Labcorp Genetics (formerly Invitae), Labcorp
Classification: Uncertain significance. Last evaluated: 2025-11-04. Review status: criteria provided, single submitter. Criteria: Invitae Variant Classification Sherloc (09022015). Collection method: clinical testing. Allele origin: germline.
Comment: This sequence change affects codon 163 of the KIDINS220 mRNA. It is a 'silent' change, meaning that it does not change the encoded amino acid sequence of the KIDINS220 protein. This variant is present in population databases (no rsID available, gnomAD 0.003%). This variant has not been reported in the literature in individuals affected with KIDINS220-related conditions. Algorithms developed to predict the effect of sequence changes on RNA splicing suggest that this variant may disrupt the consensus splice site. In summary, the available evidence is currently insufficient to determine the role of this variant in disease. Therefore, it has been classified as a Variant of Uncertain Significance.

NM_020738.4(KIDINS220):c.489C>T (p.Val163=)

Gene: KIDINS220 (kinase D interacting substrate 220; minus strand). Cytogenetic location: 2p25.1.
Variant type: single nucleotide variant.
Coding change: c.489C>T on transcript NM_020738.4 (MANE Select); coding-DNA position 489, C replaced by T.
Protein change: p.Val163=; no amino-acid change (valine 163 retained).
Molecular consequence: synonymous variant. On other transcripts: non-coding transcript variant (2).
Genome position (GRCh38, 1-based): chr2:8,812,410, G>A on the plus strand (C>T on the coding strand, the complement: KIDINS220 is on the minus strand). VCF-style: chr2-8812410-G-A. GRCh37 (hg19) VCF-style: chr2-8952540-G-A.
Other names: c.492C>T, p.Val164= (NM_001348729.2, NM_001348731.2, NM_001348734.2 and 3 more transcripts); c.489C>T, p.Val163= (NM_001348732.2, NM_001348735.2, NM_001348738.2 and 3 more transcripts); c.363C>T, p.Val121= (NM_001348736.2).
Identifiers: ClinVar variation 4761968 (VCV004761968.1).